The following is an entry in ClinVar:

ClinVar aggregate classification (germline): Uncertain significance (1 of 4 stars; one submission).

Allele frequency attached by ClinVar (database versions not stated): gnomAD 0.00001; gnomAD exomes 0.00001; TOPMed 0.00001; ESP Exome Variant Server 0.00008.
gnomAD v4.1: 11 of 1,614,106 alleles (0.00068%); highest among the groups gnomAD compares: Non-Finnish European, 0.00085%; no homozygotes.

Submission:

Labcorp Genetics (formerly Invitae), Labcorp
Classification: Uncertain significance. Last evaluated: 2022-08-31. Review status: criteria provided, single submitter. Criteria: Invitae Variant Classification Sherloc (09022015). Collection method: clinical testing. Allele origin: germline.
Comment: Algorithms developed to predict the effect of missense changes on protein structure and function are either unavailable or do not agree on the potential impact of this missense change (SIFT: "Deleterious"; PolyPhen-2: "Probably Damaging"; Align-GVGD: "Class C0"). In summary, the available evidence is currently insufficient to determine the role of this variant in disease. Therefore, it has been classified as a Variant of Uncertain Significance. ClinVar contains an entry for this variant (Variation ID: 1469530). This variant has not been reported in the literature in individuals affected with NAXE-related conditions. This variant is not present in population databases (gnomAD no frequency). This sequence change replaces aspartic acid, which is acidic and polar, with histidine, which is basic and polar, at codon 81 of the NAXE protein (p.Asp81His).

NM_144772.3(NAXE):c.241G>C (p.Asp81His)

Gene: NAXE (NAD(P)HX epimerase; plus strand). Cytogenetic location: 1q22.
Variant type: single nucleotide variant.
Coding change: c.241G>C on transcript NM_144772.3 (MANE Select); coding-DNA position 241, G replaced by C.
Protein change: p.Asp81His; replaces aspartic acid 81 with histidine.
Molecular consequence: missense variant.
Genome position (GRCh38, 1-based): chr1:156,592,159, G>C. VCF-style: chr1-156592159-G-C. GRCh37 (hg19) VCF-style: chr1-156561951-G-C.
Other names: short protein forms D81H.
Identifiers: ClinVar variation 1469530 (VCV001469530.6), dbSNP rs377658325, ClinGen allele CA31065484.
Genomic context (GRCh38, chr1:156,592,159, plus strand): 5'-AGCCAGGAGGAGGCCCAGGCCGTGGACCAGGAGCTATTTAACGAATACCAGTTCAGCGTG[G>C]ACCAACTTATGGAACTGGCCGGGCTGAGCTGTGCTACAGCCATCGCCAAGGTCAGTGGCA-3'
Protein context (NP_658985.2, residues 71-91): ELFNEYQFSV[Asp81His]QLMELAGLSC